The following is an entry in ClinVar:

NM_017617.5(NOTCH1):c.2226C>T (p.Asp742=)

Gene: NOTCH1 (notch receptor 1; minus strand). Cytogenetic location: 9q34.3.
Variant type: single nucleotide variant.
Coding change: c.2226C>T on transcript NM_017617.5 (MANE Select); coding-DNA position 2226, C replaced by T.
Protein change: p.Asp742=; no amino-acid change (aspartic acid 742 retained).
Molecular consequence: synonymous variant.
Genome position (GRCh38, 1-based): chr9:136,513,519, G>A on the plus strand (C>T on the coding strand, the complement: NOTCH1 is on the minus strand). VCF-style: chr9-136513519-G-A. GRCh37 (hg19) VCF-style: chr9-139407971-G-A.
Other names: c.2226C>T (NM_017617.4).
Identifiers: ClinVar variation 1196285 (VCV001196285.35), dbSNP rs201889382, ClinGen allele CA5341431.
Genomic context (GRCh38, chr9:136,513,519, plus strand): 5'-ACAAGGGTTGGATTCACACTCATTGTTGTTGATGTCACAGTTGGTCCCACTCCACCCAGG[G>A]TCACAGTCGCACTTGTACCTGCAAGGGGGACCACACTGCAGGTCGAGGGAGGCCCGAGCA-3'
Protein context (NP_060087.3, residues 732-752): DSLNGYKCDC[Asp742=]PGWSGTNCDI

ClinVar aggregate classification (germline): Benign/Likely benign. Review status: criteria provided, multiple submitters, no conflicts (2 of 4 stars). 6 submissions from 6 submitters: Benign (1); Likely benign (4). 1 of the submissions does not count toward it. Last evaluated 2025-12-24.

Conditions:
NOTCH1-related disorder. Also called: NOTCH1-related disorders; NOTCH1-related condition.
Familial thoracic aortic aneurysm and aortic dissection (TAAD). Also called: Thoracic aortic aneurysms and dissections. Identifiers: Orphanet 91387, MedGen C4707243, MONDO:0019625.
Adams-Oliver syndrome 5 (AOS5). Identifiers: Orphanet 974, MedGen C4014970, MONDO:0014459, OMIM 616028.

Allele frequency attached by ClinVar (database versions not stated): TOPMed 0.00003; gnomAD 0.00029; 1000 Genomes Project 30x 0.00031; 1000 Genomes Project 0.00040; ExAC 0.00046.
gnomAD v4.1: 362 of 1,613,110 alleles (0.022%); highest among the groups gnomAD compares: Non-Finnish European, 0.0082%; 3 homozygotes.

Submissions (6):

Labcorp Genetics (formerly Invitae), Labcorp
Classification: Benign for Adams-Oliver syndrome 5. Last evaluated: 2025-12-24. Review status: criteria provided, single submitter. Criteria: Invitae Variant Classification Sherloc (09022015). Collection method: clinical testing. Allele origin: germline.

Blueprint Genetics
Classification: Likely benign. Last evaluated: 2024-10-14. Review status: criteria provided, single submitter. Criteria: ACMG Guidelines, 2015. Collection method: clinical testing. Allele origin: germline.

CeGaT Center for Human Genetics Tuebingen
Classification: Likely benign. Last evaluated: 2022-11-01. Review status: criteria provided, single submitter. Criteria: CeGaT Center For Human Genetics Tuebingen Variant Classification Criteria Version 2. Collection method: clinical testing. Allele origin: germline. Affected: yes. Observed: 1 variant allele.
Comment: NOTCH1: BP4, BP7

Ambry Genetics
Classification: Likely benign for Familial thoracic aortic aneurysm and aortic dissection. Last evaluated: 2021-05-14. Review status: criteria provided, single submitter. Criteria: Ambry Variant Classification Scheme 2023. Collection method: clinical testing. Allele origin: germline.

GeneDx
Classification: Likely benign. Last evaluated: 2020-02-28. Review status: criteria provided, single submitter. Criteria: GeneDx Variant Classification Process June 2021. Collection method: clinical testing. Allele origin: germline. Affected: yes.

PreventionGenetics, part of Exact Sciences
Classification: Likely benign for NOTCH1-related condition. Last evaluated: 2020-08-24. Review status: no assertion criteria provided. Collection method: clinical testing. Allele origin: germline. Not counted in ClinVar's aggregate classification.
Comment: This variant is classified as likely benign based on ACMG/AMP sequence variant interpretation guidelines (Richards et al. 2015 PMID: 25741868, with internal and published modifications).